The following is an entry in ClinVar:

NM_032977.4(CASP10):c.440T>C (p.Met147Thr)

Gene: CASP10 (caspase 10; plus strand). Cytogenetic location: 2q33.1.
Variant type: single nucleotide variant.
Coding change: c.440T>C on transcript NM_032977.4 (MANE Select); coding-DNA position 440, T replaced by C.
Protein change: p.Met147Thr; replaces methionine 147 with threonine.
Molecular consequence: missense variant.
Genome position (GRCh38, 1-based): chr2:201,187,798, T>C. VCF-style: chr2-201187798-T-C. GRCh37 (hg19) VCF-style: chr2-202052521-T-C.
Other names: c.440T>C, p.Met147Thr (NM_001206524.2, NM_001206542.2, NM_001230.5 and 3 more transcripts); short protein forms M147T.
Identifiers: ClinVar variation 7768 (VCV000007768.13), dbSNP rs121909776, ClinGen allele CA210523.

ClinVar aggregate classification (germline): Uncertain significance. Review status: criteria provided, multiple submitters, no conflicts (2 of 4 stars). 3 submissions from 3 submitters: Uncertain significance (2). 1 of the submissions does not count toward it. Last evaluated 2025-11-01.

Conditions:
Gastric cancer. Also called: Stomach cancer; Malignant tumor of stomach. Identifiers: MedGen C0024623, MeSH D013274, MONDO:0001056, OMIM 613659, HP:0012126.
Autoimmune lymphoproliferative syndrome type 1. Also called: AUTOIMMUNE LYMPHOPROLIFERATIVE SYNDROME, TYPE I, AUTOSOMAL DOMINANT. Identifiers: Orphanet 3261, MedGen C2717884, MONDO:0011158, OMIM 601859.
Autoimmune lymphoproliferative syndrome type 2A (ALPS2A). Also called: Autoimmune lymphoproliferative syndrome type 2; CASP10-Related Autoimmune Lymphoproliferative Syndrome; AUTOIMMUNE LYMPHOPROLIFERATIVE SYNDROME, TYPE IIA. Identifiers: Orphanet 3261, MedGen C1858968, MONDO:0011383, OMIM 603909.

Allele frequency attached by ClinVar (database versions not stated): gnomAD 0.00003 and 0.00004; ExAC 0.00016; gnomAD exomes 0.00006 and 0.00012; 1000 Genomes Project 30x 0.00016; TOPMed 0.00002; 1000 Genomes Project 0.00020.

Submissions (3):

Labcorp Genetics (formerly Invitae), Labcorp
Classification: Uncertain significance for Autoimmune lymphoproliferative syndrome type 2A. Last evaluated: 2025-11-01. Review status: criteria provided, single submitter. Criteria: Invitae Variant Classification Sherloc (09022015). Collection method: clinical testing. Allele origin: germline.
Comment: This sequence change replaces methionine, which is neutral and non-polar, with threonine, which is neutral and polar, at codon 147 of the CASP10 protein (p.Met147Thr). This variant is present in population databases (rs121909776, gnomAD 0.1%), and has an allele count higher than expected for a pathogenic variant. This variant has not been reported in the literature in individuals affected with CASP10-related conditions. ClinVar contains an entry for this variant (Variation ID: 7768). An algorithm developed to predict the effect of missense changes on protein structure and function outputs the following: PolyPhen-2: "Benign". The threonine amino acid residue is found in multiple mammalian species, which suggests that this missense change does not adversely affect protein function. In summary, the available evidence is currently insufficient to determine the role of this variant in disease. Therefore, it has been classified as a Variant of Uncertain Significance.

Mendelics
Classification: Uncertain significance for Autoimmune lymphoproliferative syndrome type 1. Last evaluated: 2019-05-28. Review status: criteria provided, single submitter. Criteria: Mendelics Assertion Criteria 2017. Collection method: clinical testing. Allele origin: unknown.

OMIM
Classification: Pathogenic for GASTRIC CANCER, SOMATIC. Last evaluated: 2002-04-25. Review status: no assertion criteria provided. Collection method: literature only. Allele origin: somatic. Not counted in ClinVar's aggregate classification.

Literature cited by the submitters: PubMed 11973654 (cited by OMIM).